The following is an entry in ClinVar:

ClinVar aggregate classification (germline): Uncertain significance. Review status: criteria provided, multiple submitters, no conflicts (2 of 4 stars). 2 submissions from 2 submitters: Uncertain significance (2). Last evaluated 2025-05-30.

Conditions:
Cardiomyopathy (CMYO). Also called: Cardiomyopathies. Identifiers: Orphanet 167848, MedGen C0878544, MONDO:0004994, HP:0001638. Inheritance: Various modes of inheritance.
Cardiovascular phenotype. Identifiers: MedGen CN230736.

Allele frequency attached by ClinVar (database versions not stated): gnomAD exomes below 0.00001; TOPMed 0.00001; gnomAD 0.00002; ExAC 0.00001.
gnomAD v4.1: 4 of 1,614,090 alleles (0.00025%); highest among the groups gnomAD compares: African/African-American, 0.0027%; no homozygotes.

Submissions (2):

Color Diagnostics, LLC DBA Color Health
Classification: Uncertain significance for Cardiomyopathy. Last evaluated: 2025-05-30. Review status: criteria provided, single submitter. Criteria: ACMG Guidelines, 2015. Collection method: clinical testing. Allele origin: germline.
Comment: This missense variant replaces glycine with tryptophan at codon 185 of the TNNT2 protein. Computational prediction is inconclusive regarding the impact of this variant on protein structure and function. To our knowledge, functional studies have not been reported for this variant. This variant has not been reported in individuals affected with TNNT2-related disorders in the literature. This variant has been identified in 2/282890 chromosomes in the general population by the Genome Aggregation Database (gnomAD). The available evidence is insufficient to determine the role of this variant in disease conclusively. Therefore, this variant is classified as a Variant of Uncertain Significance.

Ambry Genetics
Classification: Uncertain significance for Cardiovascular phenotype. Last evaluated: 2024-10-12. Review status: criteria provided, single submitter. Criteria: Ambry Variant Classification Scheme 2023. Collection method: clinical testing. Allele origin: germline.

NM_001276345.2(TNNT2):c.583G>T (p.Gly195Trp)

Gene: TNNT2 (troponin T2, cardiac type; minus strand). Cytogenetic location: 1q32.1.
Variant type: single nucleotide variant.
Coding change: c.583G>T on transcript NM_001276345.2 (MANE Select); coding-DNA position 583, G replaced by T.
Protein change: p.Gly195Trp; replaces glycine 195 with tryptophan.
Molecular consequence: missense variant.
Genome position (GRCh38, 1-based): chr1:201,363,313, C>A on the plus strand (G>T on the coding strand, the complement: TNNT2 is on the minus strand). VCF-style: chr1-201363313-C-A. GRCh37 (hg19) VCF-style: chr1-201332441-C-A.
Other names: c.583G>T, p.Gly195Trp (NM_000364.4, NM_001406723.1); c.553G>T, p.Gly185Trp (NM_001001430.3, NM_001001431.3, NM_001276347.2 and 3 more transcripts); c.538G>T, p.Gly180Trp (NM_001001432.3, NM_001406728.1); c.463G>T, p.Gly155Trp (NM_001276346.2); c.550G>T, p.Gly184Trp (NM_001406725.1); short protein forms G155W, G180W, G184W, G185W, G195W.
Identifiers: ClinVar variation 3232331 (VCV003232331.3), dbSNP rs764777623, ClinGen allele CA031075.
Genomic context (GRCh38, chr1:201,363,313, plus strand): 5'-CTATACTAGGATCTCCTGGCAACCCCTGCTGCTCCCTACCTACCTTCTGGATGTAACCCC[C>A]AAAATGCATCATGTTGGACAAAGCCTTCTTCTTCCGGGCCTCATCCTCAGCCTTCCTCCT-3'
Protein context (NP_001263274.1, residues 185-205): KKALSNMMHF[Gly195Trp]GYIQKQAQTE